The following is an entry in ClinVar:

ClinVar aggregate classification (germline): Likely benign (0 of 4 stars; one submission).

Conditions:
GRIK2-related disorder. Also called: GRIK2-related condition.

Submission:

PreventionGenetics, part of Exact Sciences
Classification: Likely benign for GRIK2-related condition. Last evaluated: 2021-03-26. Review status: no assertion criteria provided. Collection method: clinical testing. Allele origin: germline.
Comment: This variant is classified as likely benign based on ACMG/AMP sequence variant interpretation guidelines (Richards et al. 2015 PMID: 25741868, with internal and published modifications).

NM_021956.5(GRIK2):c.978T>A (p.Ala326=)

Gene: GRIK2 (glutamate ionotropic receptor kainate type subunit 2; plus strand). Cytogenetic location: 6q16.3.
Variant type: single nucleotide variant.
Coding change: c.978T>A on transcript NM_021956.5 (MANE Select); coding-DNA position 978, T replaced by A.
Protein change: p.Ala326=; no amino-acid change (alanine 326 retained).
Molecular consequence: synonymous variant.
Genome position (GRCh38, 1-based): chr6:101,799,674, T>A. VCF-style: chr6-101799674-T-A. GRCh37 (hg19) VCF-style: chr6-102247549-T-A.
Other names: c.978T>A, p.Ala326= (NM_001166247.1, NM_175768.3).
Identifiers: ClinVar variation 3030146 (VCV003030146.2), dbSNP rs2484054646, ClinGen allele CA451503518.